The following is an entry in ClinVar:

NM_194277.3(FRMD7):c.983A>G (p.Tyr328Cys)

Gene: FRMD7 (FERM domain containing 7; minus strand). Cytogenetic location: Xq26.2.
Variant type: single nucleotide variant.
Coding change: c.983A>G on transcript NM_194277.3 (MANE Select); coding-DNA position 983, A replaced by G.
Protein change: p.Tyr328Cys; replaces tyrosine 328 with cysteine.
Molecular consequence: missense variant.
Genome position (GRCh38, 1-based): chrX:132,080,073, T>C on the plus strand (A>G on the coding strand, the complement: FRMD7 is on the minus strand). VCF-style: chrX-132080073-T-C. GRCh37 (hg19) VCF-style: chrX-131214101-T-C.
Other names: c.938A>G, p.Tyr313Cys (NM_001306193.2); short protein forms Y313C, Y328C.
Identifiers: ClinVar variation 1374289 (VCV001374289.7), dbSNP rs145630934, ClinGen allele CA10518925.
Genomic context (GRCh38, chrX:132,080,073, plus strand): 5'-GACACATCAGAGAGGAGGTCTGGTGAGGACCTGCACTGTCGTTCATGGTACTGAGATGGG[T>C]AATGTTTCCTGAAATCCCCAAGCAGAGAAGTCATTGAAATGACCTTCATGTGAATACCAG-3'
Protein context (NP_919253.1, residues 318-338): LKSLPFERKH[Tyr328Cys]PSQYHERQCR

ClinVar aggregate classification (germline): Uncertain significance. Review status: criteria provided, multiple submitters, no conflicts (2 of 4 stars). 2 submissions from 2 submitters: Uncertain significance (2). Last evaluated 2024-01-01.

Allele frequency attached by ClinVar (database versions not stated): ExAC 0.00001; gnomAD 0.00001; gnomAD exomes 0.00001; TOPMed 0.00002; ESP Exome Variant Server 0.00009.
gnomAD v4.1: 1 of 1,191,678 alleles (0.000084%); highest among the groups gnomAD compares: Non-Finnish European, 0.00011%; no homozygotes.

Submissions (2):

Labcorp Genetics (formerly Invitae), Labcorp
Classification: Uncertain significance. Last evaluated: 2024-01-01. Review status: criteria provided, single submitter. Criteria: Invitae Variant Classification Sherloc (09022015). Collection method: clinical testing. Allele origin: germline.
Comment: This sequence change replaces tyrosine, which is neutral and polar, with cysteine, which is neutral and slightly polar, at codon 328 of the FRMD7 protein (p.Tyr328Cys). This variant is present in population databases (rs145630934, gnomAD 0.001%). This missense change has been observed in individual(s) with infantile nystagmus (PMID: 24688117). ClinVar contains an entry for this variant (Variation ID: 1374289). An algorithm developed to predict the effect of missense changes on protein structure and function (PolyPhen-2) suggests that this variant is likely to be disruptive. In summary, the available evidence is currently insufficient to determine the role of this variant in disease. Therefore, it has been classified as a Variant of Uncertain Significance.

Blueprint Genetics
Classification: Uncertain significance. Last evaluated: 2021-11-12. Review status: criteria provided, single submitter. Criteria: ACMG Guidelines, 2015. Collection method: clinical testing. Allele origin: germline.

Literature cited by the submitters: PubMed 24688117 (cited by Labcorp Genetics (formerly Invitae), Labcorp).